The following is an entry in ClinVar:

ClinVar aggregate classification (germline): Uncertain significance. Review status: criteria provided, multiple submitters, no conflicts (2 of 4 stars). 3 submissions from 3 submitters: Uncertain significance (3). Last evaluated 2026-01-18.

Conditions:
Cardiovascular phenotype. Identifiers: MedGen CN230736.
Hereditary cancer-predisposing syndrome. Also called: Neoplastic Syndromes, Hereditary; Tumor predisposition; Hereditary neoplastic syndrome; Hereditary Cancer Syndrome. Identifiers: Orphanet 140162, MedGen C0027672, MeSH D009386, MONDO:0015356.
Neurofibromatosis, type 1 (NF1). Also called: VON RECKLINGHAUSEN DISEASE; NEUROFIBROMATOSIS, TYPE I, SOMATIC; Peripheral type neurofibromatosis; Neurofibromatosis, type I. Identifiers: Orphanet 636, MedGen C0027831, MONDO:0018975, OMIM 162200. Disease mechanism: loss of function.

Allele frequency attached by ClinVar (database versions not stated): gnomAD exomes below 0.00001; TOPMed below 0.00001; gnomAD 0.00001.
gnomAD v4.1: 2 of 1,613,698 alleles (0.00012%); highest among the groups gnomAD compares: Non-Finnish European, 0.00017%; no homozygotes.

Submissions (3):

Labcorp Genetics (formerly Invitae), Labcorp
Classification: Uncertain significance for Neurofibromatosis, type 1. Last evaluated: 2026-01-18. Review status: criteria provided, single submitter. Criteria: Invitae Variant Classification Sherloc (09022015). Collection method: clinical testing. Allele origin: germline.
Comment: This sequence change replaces glycine, which is neutral and non-polar, with serine, which is neutral and polar, at codon 453 of the NF1 protein (p.Gly453Ser). This variant is not present in population databases (gnomAD no frequency). This variant has not been reported in the literature in individuals affected with NF1-related conditions. ClinVar contains an entry for this variant (Variation ID: 527448). Invitae Evidence Modeling of protein sequence and biophysical properties (such as structural, functional, and spatial information, amino acid conservation, physicochemical variation, residue mobility, and thermodynamic stability) indicates that this missense variant is not expected to disrupt NF1 protein function with a negative predictive value of 95%. In summary, the available evidence is currently insufficient to determine the role of this variant in disease. Therefore, it has been classified as a Variant of Uncertain Significance.

Ambry Genetics
Classification: Uncertain significance for Cardiovascular phenotype; Hereditary cancer-predisposing syndrome. Last evaluated: 2022-06-03. Review status: criteria provided, single submitter. Criteria: Ambry Variant Classification Scheme 2023. Collection method: clinical testing. Allele origin: germline.
Comment: The p.G453S variant (also known as c.1357G>A), located in coding exon 12 of the NF1 gene, results from a G to A substitution at nucleotide position 1357. The glycine at codon 453 is replaced by serine, an amino acid with similar properties. This amino acid position is well conserved in available vertebrate species. In addition, this alteration is predicted to be tolerated by in silico analysis. Since supporting evidence is limited at this time, the clinical significance of this alteration remains unclear.

Genome-Nilou Lab
Classification: Uncertain significance for Neurofibromatosis, type 1. Last evaluated: 2022-03-15. Review status: criteria provided, single submitter. Criteria: ACMG Guidelines, 2015. Collection method: clinical testing. Allele origin: germline. Affected: no.

NM_001042492.3(NF1):c.1357G>A (p.Gly453Ser)

Gene: NF1 (neurofibromin 1; plus strand). Cytogenetic location: 17q11.2.
Variant type: single nucleotide variant.
Coding change: c.1357G>A on transcript NM_001042492.3 (MANE Select); coding-DNA position 1357, G replaced by A.
Protein change: p.Gly453Ser; replaces glycine 453 with serine.
Molecular consequence: missense variant.
Genome position (GRCh38, 1-based): chr17:31,206,336, G>A. VCF-style: chr17-31206336-G-A. GRCh37 (hg19) VCF-style: chr17-29533354-G-A.
Other names: c.1357G>A, p.Gly453Ser (NM_000267.4, NM_001128147.3); short protein forms G453S.
Identifiers: ClinVar variation 527448 (VCV000527448.13), dbSNP rs1273060925, ClinGen allele CA398999678.